The following is an entry in ClinVar:

ClinVar aggregate classification (germline): Likely pathogenic (1 of 4 stars; one submission).

Conditions:
SETD2-related disorder.

Submission:

Greenwood Genetic Center Diagnostic Laboratories, Greenwood Genetic Center
Classification: Likely pathogenic for SETD2-related disorder. Last evaluated: 2025-06-05. Review status: criteria provided, single submitter. Criteria: ACMG Guidelines, 2015. Collection method: clinical testing. Allele origin: germline. Affected: yes.
Comment: PVS1, PM2

NM_014159.7(SETD2):c.6190_6191dup (p.Asp2064fs)

Gene: SETD2 (SET domain containing 2, histone lysine methyltransferase; minus strand). Cytogenetic location: 3p21.31.
Variant type: Microsatellite.
Coding change: c.6190_6191dup on transcript NM_014159.7 (MANE Select); coding-DNA positions 6190 to 6191, 2 bases duplicated (GA; older notation c.6190_6191dupGA).
Protein change: p.Asp2064fs; shifts the reading frame from aspartic acid 2064.
Molecular consequence: frameshift variant. On other transcripts: non-coding transcript variant (1).
Genome position (GRCh38, 1-based): chr3:47,062,265-47,062,266, TC duplicated on the plus strand (GA on the coding strand, the reverse complement: SETD2 is on the minus strand); duplicating any 2 consecutive bases within chr3:47,062,265-47,062,275 gives the same sequence; the c. name uses the placement nearest the transcript's 3' end. VCF-style (leftmost placement, unchanged base first): chr3-47062264-G-GTC. GRCh37 (hg19) VCF-style: chr3-47103754-G-GTC.
Other names: c.6058_6059dup, p.Asp2020fs (NM_001349370.3); short protein forms D2020fs, D2064fs.
Identifiers: ClinVar variation 4538287 (VCV004538287.1).